The following is an entry in ClinVar:

ClinVar aggregate classification (germline): Uncertain significance. Review status: criteria provided, multiple submitters, no conflicts (2 of 4 stars). 3 submissions from 3 submitters: Uncertain significance (3). Last evaluated 2025-08-09.

Conditions:
Autosomal recessive limb-girdle muscular dystrophy type 2A (LGMDR1). Also called: LEYDEN-MOEBIUS MUSCULAR DYSTROPHY; MUSCULAR DYSTROPHY, PELVOFEMORAL; Muscular dystrophy, limb-girdle, type 2A, Amish; Limb-girdle muscular dystrophy, type 2A; Calpainopathy. Identifiers: Orphanet 267, MedGen C1869123, MONDO:0009675, OMIM 253600. Disease mechanism: loss of function.
Inborn genetic diseases. Identifiers: MedGen C0950123, MeSH D030342.

Allele frequency attached by ClinVar (database versions not stated): gnomAD exomes 0.00002; TOPMed 0.00002; gnomAD 0.00003; 1000 Genomes Project 30x 0.00016; 1000 Genomes Project 0.00020.

Submissions (3):

Ambry Genetics
Classification: Uncertain significance for Inborn genetic diseases. Last evaluated: 2025-08-09. Review status: criteria provided, single submitter. Criteria: Ambry Variant Classification Scheme 2023. Collection method: clinical testing. Allele origin: germline.

Labcorp Genetics (formerly Invitae), Labcorp
Classification: Uncertain significance for Autosomal recessive limb-girdle muscular dystrophy type 2A. Last evaluated: 2025-03-20. Review status: criteria provided, single submitter. Criteria: Invitae Variant Classification Sherloc (09022015). Collection method: clinical testing. Allele origin: germline.
Comment: This sequence change replaces isoleucine, which is neutral and non-polar, with valine, which is neutral and non-polar, at codon 603 of the CAPN3 protein (p.Ile603Val). This variant is present in population databases (rs201649025, gnomAD 0.002%). This variant has not been reported in the literature in individuals affected with CAPN3-related conditions. ClinVar contains an entry for this variant (Variation ID: 2040458). Invitae Evidence Modeling of protein sequence and biophysical properties (such as structural, functional, and spatial information, amino acid conservation, physicochemical variation, residue mobility, and thermodynamic stability) has been performed for this missense variant. However, the output from this modeling did not meet the statistical confidence thresholds required to predict the impact of this variant on CAPN3 protein function. In summary, the available evidence is currently insufficient to determine the role of this variant in disease. Therefore, it has been classified as a Variant of Uncertain Significance.

Revvity Omics, Revvity
Classification: Uncertain significance. Last evaluated: 2020-04-02. Review status: criteria provided, single submitter. Criteria: ACMG Guidelines, 2015. Collection method: clinical testing. Allele origin: germline.

NM_000070.3(CAPN3):c.1807A>G (p.Ile603Val)

Gene: CAPN3 (calpain 3; plus strand). Cytogenetic location: 15q15.1.
Variant type: single nucleotide variant.
Coding change: c.1807A>G on transcript NM_000070.3 (MANE Select); coding-DNA position 1807, A replaced by G.
Protein change: p.Ile603Val; replaces isoleucine 603 with valine.
Molecular consequence: missense variant. On other transcripts: intron variant (3).
Genome position (GRCh38, 1-based): chr15:42,408,217, A>G. VCF-style: chr15-42408217-A-G. GRCh37 (hg19) VCF-style: chr15-42700415-A-G.
Other names: c.1789A>G, p.Ile597Val (NM_024344.2); c.271A>G, p.Ile91Val (NM_173088.2); c.*905A>G (NM_212464.2); c.*1482A>G (NM_212467.2); c.1639-1086A>G (NM_173087.2); c.-81-1086A>G (NM_173090.2, NM_173089.2); c.1807A>G (NM_000070.2); short protein forms I91V, I603V, I597V.
Identifiers: ClinVar variation 2040458 (VCV002040458.8), dbSNP rs201649025, ClinGen allele CA269847494.
Genomic context (GRCh38, chr15:42,408,217, plus strand): 5'-CCTGTTCAGACTGTAATCCTCCCTTCCTTCCTGCCTCCTCCCTCCTCTCTCCAGCCCATC[A>G]TCTTCGTTTCGGACAGAGCAAACAGCAACAAGGAGCTGGGTGTGGACCAGGAGTCAGAGG-3'
Protein context (NP_000061.1, residues 593-613): PVKKKKTKPI[Ile603Val]FVSDRANSNK